The following is an entry in ClinVar:

ClinVar aggregate classification (germline): Benign. Review status: criteria provided, multiple submitters, no conflicts (2 of 4 stars). 4 submissions from 4 submitters: Benign (3). 1 of the submissions does not count toward it. Last evaluated 2025-02-16.

Conditions:
APOA2-related disorder. Also called: APOA2-related condition.

Submissions (4):

Laboratory of Genetics, Children's Clinical University Hospital Latvia
Classification: Benign. Last evaluated: 2025-02-16. Review status: criteria provided, single submitter. Criteria: ACMG Guidelines, 2015. Collection method: clinical testing. Allele origin: germline. Affected: yes.

Mayo Clinic Laboratories, Mayo Clinic
Classification: Benign. Last evaluated: 2022-03-24. Review status: criteria provided, single submitter. Criteria: ACMG Guidelines, 2015. Collection method: clinical testing. Allele origin: germline. Observed: 2 variant alleles.

Women's Health and Genetics/Laboratory Corporation of America, LabCorp
Classification: Benign. Last evaluated: 2019-08-12. Review status: criteria provided, single submitter. Criteria: LabCorp Variant Classification Summary - May 2015. Collection method: clinical testing. Allele origin: germline.

PreventionGenetics, part of Exact Sciences
Classification: Benign for APOA2-related condition. Last evaluated: 2024-01-28. Review status: no assertion criteria provided. Collection method: clinical testing. Allele origin: germline. Not counted in ClinVar's aggregate classification.
Comment: This variant is classified as benign based on ACMG/AMP sequence variant interpretation guidelines (Richards et al. 2015 PMID: 25741868, with internal and published modifications).

NM_001643.2(APOA2):c.53-43TG[16]

Gene: APOA2 (apolipoprotein A2; minus strand). Cytogenetic location: 1q23.3.
Variant type: Microsatellite.
Coding change: c.53-43TG[16] on transcript NM_001643.2 (MANE Select); 16 copies in a row of the 2-base unit TG starting at c.53-43; the reference has 19 copies in a row; three copies, 6 bases deleted.
Molecular consequence: intron variant.
Genome position (GRCh38, 1-based): chr1:161,223,056-161,223,061, CACACA deleted on the plus strand (TGTGTG on the coding strand, the reverse complement: APOA2 is on the minus strand); deleting any 6 consecutive bases within chr1:161,223,056-161,223,094 gives the same sequence; the position shown is the placement nearest the transcript's 3' end. VCF-style (leftmost placement, unchanged base first): chr1-161223055-CCACACA-C. GRCh37 (hg19) VCF-style: chr1-161192845-CCACACA-C.
Other names: p.?; c.53-11_53-6del (NM_001643.2).
Identifiers: ClinVar variation 293295 (VCV000293295.9), dbSNP rs17244502, ClinGen allele CA1209151.
Genomic context (GRCh38, chr1:161,223,055, plus strand): 5'-CTGAGAAACCAGGCTCTCCACACATGGCTCCTTTGCCTGTCTCCGAACCAAAGCTCCTGC[CCACACA>C]CACACACACACACACACACACACACACACACACTCTTTTCAGCTGGGTCCACAGCAGTGA-3'